The following is an entry in ClinVar:

ClinVar aggregate classification (germline): Conflicting classifications of pathogenicity. Review status: criteria provided, conflicting classifications (1 of 4 stars). 6 submissions from 6 submitters: Pathogenic (1); Likely pathogenic (3); Uncertain significance (1). 1 of the submissions does not count toward it. Last evaluated 2026-09-25.

Conditions:
Hereditary spastic paraplegia 77. Also called: Spastic paraplegia 77, autosomal recessive. Identifiers: Orphanet 466722, MedGen C5569007, MONDO:0014882, OMIM 617046.
Combined oxidative phosphorylation defect type 14. Also called: Combined oxidative phosphorylation deficiency 14. Identifiers: Orphanet 319519, MedGen C4755312, MONDO:0013986, OMIM 614946.

Allele frequency attached by ClinVar (database versions not stated): ExAC 0.00002; gnomAD exomes 0.00002 and 0.00003; gnomAD 0.00003 and 0.00004; TOPMed 0.00004.

Submissions (6):

GeneDx
Classification: Likely pathogenic. Last evaluated: 2026-09-25. Review status: criteria provided, single submitter. Criteria: GeneDx Variant Classification Process June 2021. Collection method: clinical testing. Allele origin: germline.
Comment: Not observed at significant frequency in large population cohorts (gnomAD); In silico analysis supports that this missense variant has a deleterious effect on protein structure/function; This variant is associated with the following publications: (PMID: 29126765, 30177229)

Labcorp Genetics (formerly Invitae), Labcorp
Classification: Pathogenic for Combined oxidative phosphorylation defect type 14. Last evaluated: 2026-01-09. Review status: criteria provided, single submitter. Criteria: Invitae Variant Classification Sherloc (09022015). Collection method: clinical testing. Allele origin: germline.
Comment: This sequence change replaces alanine, which is neutral and non-polar, with valine, which is neutral and non-polar, at codon 154 of the FARS2 protein (p.Ala154Val). This variant is present in population databases (rs749588235, gnomAD 0.004%). This missense change has been observed in individual(s) with FARS2 deficiency (PMID: 29126765; internal data). In at least one individual the data is consistent with being in trans (on the opposite chromosome) from a pathogenic variant. ClinVar contains an entry for this variant (Variation ID: 488360). Invitae Evidence Modeling of protein sequence and biophysical properties (such as structural, functional, and spatial information, amino acid conservation, physicochemical variation, residue mobility, and thermodynamic stability) indicates that this missense variant is expected to disrupt FARS2 protein function with a positive predictive value of 95%. For these reasons, this variant has been classified as Pathogenic.

Baylor Genetics
Classification: Uncertain significance for Combined oxidative phosphorylation defect type 14. Last evaluated: 2022-09-02. Review status: criteria provided, single submitter. Criteria: ACMG Guidelines, 2015. Collection method: clinical testing. Allele origin: unknown.

Wong Mito Lab, Molecular and Human Genetics, Baylor College of Medicine
Classification: Likely pathogenic for Spastic paraplegia 77, autosomal recessive. Last evaluated: 2018-06-13. Review status: criteria provided, single submitter. Criteria: ACMG Guidelines, 2015. Collection method: clinical testing. Allele origin: germline. Affected: yes.

Juno Genomics, Hangzhou Juno Genomics, Inc
Classification: Likely pathogenic for Hereditary spastic paraplegia 77; Combined oxidative phosphorylation defect type 14. Review status: criteria provided, single submitter. Criteria: ACMG Guidelines, 2015. Collection method: clinical testing. Allele origin: germline.
Comment: Absent from controls (or at extremely low frequency if recessive) in Genome Aggregation Database.;For recessive disorders, detected in trans with a pathogenic variant.;Patient's phenotype or family history is highly specific for a disease with a single genetic etiology.

OMIM
Classification: Pathogenic for SPASTIC PARAPLEGIA 77, AUTOSOMAL RECESSIVE. Last evaluated: 2018-01-30. Review status: no assertion criteria provided. Collection method: literature only. Allele origin: germline. Not counted in ClinVar's aggregate classification.

Literature cited by the submitters: PubMed 29126765 (cited by 3 submitters).

NM_006567.5(FARS2):c.461C>T (p.Ala154Val)

Genes: FARS2 (phenylalanyl-tRNA synthetase 2, mitochondrial; plus strand), LOC126859565 (CDK7 strongly-dependent group 2 enhancer GRCh37_chr6:5368745-5369944; plus strand). Cytogenetic location: 6p25.1.
Variant type: single nucleotide variant.
Coding change: c.461C>T on transcript NM_006567.5 (MANE Select); coding-DNA position 461, C replaced by T.
Protein change: p.Ala154Val; replaces alanine 154 with valine.
Molecular consequence: missense variant. On other transcripts: intron variant (2).
Genome position (GRCh38, 1-based): chr6:5,369,031, C>T. VCF-style: chr6-5369031-C-T. GRCh37 (hg19) VCF-style: chr6-5369264-C-T.
Other names: c.461C>T, p.Ala154Val (NM_001318872.2, NM_001374875.1, NM_001374876.1 and 5 more transcripts); c.-340-27602C>T (NM_001375260.1); c.-84-35511C>T (NM_001375259.1); short protein forms A154V.
Identifiers: ClinVar variation 488360 (VCV000488360.13), dbSNP rs749588235, ClinGen allele CA3623648.
Genomic context (GRCh38, chr6:5,369,031, plus strand): 5'-ATCACCCCAGCAGGAAGAAGGGGGACAACTATTACCTGAATCGGACTCACATGCTGAGAG[C>T]GCACACGTCTGCACACCAGTGGGACTTGCTGCACGCGGGACTGGATGCCTTCCTGGTGGT-3'
Protein context (NP_006558.1, residues 144-164): YYLNRTHMLR[Ala154Val]HTSAHQWDLL